The following is an entry in ClinVar:

NM_005228.5(EGFR):c.2173A>T (p.Thr725Ser)

Gene: EGFR (epidermal growth factor receptor; plus strand). Cytogenetic location: 7p11.2.
Variant type: single nucleotide variant.
Coding change: c.2173A>T on transcript NM_005228.5 (MANE Select); coding-DNA position 2173, A replaced by T.
Protein change: p.Thr725Ser; replaces threonine 725 with serine.
Molecular consequence: missense variant.
Genome position (GRCh38, 1-based): chr7:55,174,032, A>T. VCF-style: chr7-55174032-A-T. GRCh37 (hg19) VCF-style: chr7-55241725-A-T.
Other names: c.2173A>T, p.Thr725Ser (NM_001346898.2); c.2038A>T, p.Thr680Ser (NM_001346899.2, NM_001346897.2); c.2014A>T, p.Thr672Ser (NM_001346900.2); c.1372A>T, p.Thr458Ser (NM_001346941.2); short protein forms T458S, T680S, T672S, T725S.
Identifiers: ClinVar variation 4842908 (VCV004842908.1).

ClinVar aggregate classification (germline): Uncertain significance (1 of 4 stars; one submission).

Conditions:
Hereditary cancer-predisposing syndrome. Also called: Neoplastic Syndromes, Hereditary; Tumor predisposition; Hereditary Cancer Syndrome; Hereditary neoplastic syndrome. Identifiers: Orphanet 140162, MedGen C0027672, MeSH D009386, MONDO:0015356.

Submission:

Ambry Genetics
Classification: Uncertain significance for Hereditary cancer-predisposing syndrome. Last evaluated: 2025-12-21. Review status: criteria provided, single submitter. Criteria: Ambry Variant Classification Scheme 2023. Collection method: clinical testing. Allele origin: germline.
Comment: The p.T725S variant (also known as c.2173A>T), located in coding exon 18 of the EGFR gene, results from an A to T substitution at nucleotide position 2173. The threonine at codon 725 is replaced by serine, an amino acid with similar properties. This amino acid position is conserved. In addition, the in silico prediction for this alteration is inconclusive. Based on the available evidence, the clinical significance of this variant remains unclear.